The following is an entry in ClinVar:

ClinVar aggregate classification (germline): Conflicting classifications of pathogenicity. Review status: criteria provided, conflicting classifications (1 of 4 stars). 2 submissions from 2 submitters: Uncertain significance (1); Likely benign (1). Last evaluated 2025-01-22.

Conditions:
Cardiovascular phenotype. Identifiers: MedGen CN230736.
X-linked Emery-Dreifuss muscular dystrophy. Also called: Muscular dystrophy, tardive Emery-Dreifuss type, with contractures. Identifiers: Orphanet 261, Orphanet 98863, MedGen C0751337, MONDO:0010680.

Allele frequency attached by ClinVar (database versions not stated): TOPMed below 0.00001; gnomAD 0.00001; gnomAD exomes 0.00001.

Submissions (2):

Labcorp Genetics (formerly Invitae), Labcorp
Classification: Uncertain significance for X-linked Emery-Dreifuss muscular dystrophy. Last evaluated: 2025-01-22. Review status: criteria provided, single submitter. Criteria: Invitae Variant Classification Sherloc (09022015). Collection method: clinical testing. Allele origin: germline.
Comment: This sequence change replaces leucine, which is neutral and non-polar, with phenylalanine, which is neutral and non-polar, at codon 139 of the EMD protein (p.Leu139Phe). This variant is not present in population databases (gnomAD no frequency). This variant has not been reported in the literature in individuals affected with EMD-related conditions. ClinVar contains an entry for this variant (Variation ID: 3230341). Invitae Evidence Modeling of protein sequence and biophysical properties (such as structural, functional, and spatial information, amino acid conservation, physicochemical variation, residue mobility, and thermodynamic stability) indicates that this missense variant is not expected to disrupt EMD protein function with a negative predictive value of 80%. In summary, the available evidence is currently insufficient to determine the role of this variant in disease. Therefore, it has been classified as a Variant of Uncertain Significance.

Ambry Genetics
Classification: Likely benign for Cardiovascular phenotype. Last evaluated: 2023-11-22. Review status: criteria provided, single submitter. Criteria: Ambry Variant Classification Scheme 2023. Collection method: clinical testing. Allele origin: germline.

Literature cited by the submitters: PubMed 32600061 (cited by Ambry Genetics).

NM_000117.3(EMD):c.415C>T (p.Leu139Phe)

Gene: EMD (emerin; plus strand). Cytogenetic location: Xq28.
Variant type: single nucleotide variant.
Coding change: c.415C>T on transcript NM_000117.3 (MANE Select); coding-DNA position 415, C replaced by T.
Protein change: p.Leu139Phe; replaces leucine 139 with phenylalanine.
Molecular consequence: missense variant.
Genome position (GRCh38, 1-based): chrX:154,380,768, C>T. VCF-style: chrX-154380768-C-T. GRCh37 (hg19) VCF-style: chrX-153609128-C-T.
Other names: short protein forms L139F.
Identifiers: ClinVar variation 3230341 (VCV003230341.3), dbSNP rs1460129668, ClinGen allele CA415258205.